The following is an entry in ClinVar:

NM_002303.6(LEPR):c.1230_1231del (p.Tyr411fs)

Gene: LEPR (leptin receptor; plus strand). Cytogenetic location: 1p31.3.
Variant type: Microsatellite.
Coding change: c.1230_1231del on transcript NM_002303.6 (MANE Select); coding-DNA positions 1230 to 1231, 2 bases deleted (GT; older notation c.1230_1231delGT).
Protein change: p.Tyr411fs; shifts the reading frame from tyrosine 411.
Molecular consequence: frameshift variant.
Genome position (GRCh38, 1-based): chr1:65,601,627-65,601,628, GT deleted; deleting any 2 consecutive bases within chr1:65,601,625-65,601,628 gives the same sequence; the c. name uses the placement nearest the transcript's 3' end. VCF-style (leftmost placement, unchanged base first): chr1-65601624-AGT-A. GRCh37 (hg19) VCF-style: chr1-66067307-AGT-A.
Other names: c.1230_1231delGT (NM_002303.5); c.1230_1231del, p.Tyr411fs (NM_001003679.3, NM_001003680.3, NM_001198687.2 and 2 more transcripts); c.1228_1229GT[1], p.Tyr411Leufs (NM_002303.5); short protein forms Y411fs.
Identifiers: ClinVar variation 5002497 (VCV005002497.1).

ClinVar aggregate classification (germline): Likely pathogenic (1 of 4 stars; one submission).

Conditions:
LEPR-related disorder. Also called: LEPR-related condition; LEPR-related disorders.

Submission:

PreventionGenetics, part of Exact Sciences
Classification: Likely pathogenic for LEPR-related condition. Last evaluated: 2026-06-27. Review status: criteria provided, single submitter. Criteria: ACMG Guidelines, 2015. Collection method: clinical testing. Allele origin: germline.
Comment: The LEPR c.1230_1231delGT variant is predicted to result in a frameshift and premature protein termination (p.Tyr411Leufs*4). To our knowledge, this variant has not been reported in the literature. This variant is reported in 0.00088% of alleles in individuals of European (Non-Finnish) descent in gnomAD. Frameshift variants in LEPR are expected to be pathogenic. This variant is interpreted as likely pathogenic.